The following is an entry in ClinVar:

NM_024675.4(PALB2):c.77G>T (p.Arg26Met)

Gene: PALB2 (partner and localizer of BRCA2; minus strand). Cytogenetic location: 16p12.2.
Variant type: single nucleotide variant.
Coding change: c.77G>T on transcript NM_024675.4 (MANE Select); coding-DNA position 77, G replaced by T.
Protein change: p.Arg26Met; replaces arginine 26 with methionine.
Molecular consequence: missense variant.
Genome position (GRCh38, 1-based): chr16:23,638,101, C>A on the plus strand (G>T on the coding strand, the complement: PALB2 is on the minus strand). VCF-style: chr16-23638101-C-A. GRCh37 (hg19) VCF-style: chr16-23649422-C-A.
Other names: short protein forms R26M.
Identifiers: ClinVar variation 942426 (VCV000942426.10), dbSNP rs1967111702, ClinGen allele CA395139772.
Genomic context (GRCh38, chr16:23,638,101, plus strand): 5'-ACCTTAATTTGAGAATACGATTCACTTACCTGAAGGCGGGCTAGTGTCTTGCTGTATTCC[C>A]TTTTCAAGAATGCTAATTTCTCCTTTAACTGGAAGAAGAAAAACACCAACAATACTGGGC-3'
Protein context (NP_078951.2, residues 16-36): KLKEKLAFLK[Arg26Met]EYSKTLARLQ

ClinVar aggregate classification (germline): Uncertain significance (1 of 4 stars; one submission).

Conditions:
Familial cancer of breast. Also called: hereditary breast carcinoma; BREAST CANCER, FAMILIAL; Hereditary breast cancer. Identifiers: Orphanet 227535, MedGen C0346153, MONDO:0016419, OMIM 114480. Disease mechanism: loss of function.

Submission:

Labcorp Genetics (formerly Invitae), Labcorp
Classification: Uncertain significance for Familial cancer of breast. Last evaluated: 2019-10-12. Review status: criteria provided, single submitter. Criteria: Invitae Variant Classification Sherloc (09022015). Collection method: clinical testing. Allele origin: germline.
Comment: This sequence change replaces arginine with methionine at codon 26 of the PALB2 protein (p.Arg26Met). The arginine residue is weakly conserved and there is a moderate physicochemical difference between arginine and methionine. This variant is not present in population databases (ExAC no frequency). This variant has not been reported in the literature in individuals with PALB2-related conditions. Algorithms developed to predict the effect of missense changes on protein structure and function are either unavailable or do not agree on the potential impact of this missense change (SIFT: "Deleterious"; PolyPhen-2: "Probably Damaging"; Align-GVGD: "Class C0"). In summary, the available evidence is currently insufficient to determine the role of this variant in disease. Therefore, it has been classified as a Variant of Uncertain Significance.